The following is an entry in ClinVar:

ClinVar aggregate classification (germline): Likely benign (1 of 4 stars; one submission).

Conditions:
46,XY sex reversal 3. Also called: NR5A1-related 46,XY complete gonadal dysgenesis; 46,XY GONADAL DYSGENESIS, PARTIAL OR COMPLETE, WITH OR WITHOUT ADRENAL FAILURE; DISORDER OF SEX DEVELOPMENT, 46,XY, NR5A1-RELATED; 46,XY SEX REVERSAL, PARTIAL OR COMPLETE, NR5A1-RELATED; SEX REVERSAL, XY, WITH OR WITHOUT ADRENAL FAILURE. Identifiers: MedGen C3489793, MONDO:0013066, OMIM 612965.

Submission:

Centre for Medical Genetics,  Mumbai
Classification: Likely benign for 46,XY sex reversal 3. Last evaluated: 2026-02-05. Review status: criteria provided, single submitter. Criteria: ACMG Guidelines, 2015. Collection method: provider interpretation. Allele origin: germline. Inheritance: Autosomal dominant inheritance. Affected: no. Observed: 1 heterozygote.
Comment: The variant satisfies PM2 criteria; Extremely low frequency in gnomAD population databases. The variant satisfies PP2 criteria; Missense variant in a gene with low rate of benign missense mutations and for which missense mutation is a common mechanism of a disease The variant satisfies PP3 criteria; For a missense or a splicing region variant, computational prediction tools unanimously support a deleterious effect on the gene. However, the variant satisfies BS2 criteria; present in heterozygous state in an individual that clinically does not have 46XY sex reversal 3

Literature cited by the submitters: PubMed 10369247.

NM_004959.5(NR5A1):c.1016A>T (p.Gln339Leu)

Gene: NR5A1 (nuclear receptor subfamily 5 group A member 1; minus strand). Cytogenetic location: 9q33.3.
Variant type: single nucleotide variant.
Coding change: c.1016A>T on transcript NM_004959.5 (MANE Select); coding-DNA position 1016, A replaced by T.
Protein change: p.Gln339Leu; replaces glutamine 339 with leucine.
Molecular consequence: missense variant.
Genome position (GRCh38, 1-based): chr9:124,491,203, T>A on the plus strand (A>T on the coding strand, the complement: NR5A1 is on the minus strand). VCF-style: chr9-124491203-T-A. GRCh37 (hg19) VCF-style: chr9-127253482-T-A.
Other names: short protein forms Q339L.
Identifiers: ClinVar variation 4759211 (VCV004759211.1).
Genomic context (GRCh38, chr9:124,491,203, plus strand): 5'-AGCAGCTGCAGCACCAGCTCCTGCGCCCGCAACACCAGGCTGTGCAGCAGCGAGCCCGCC[T>A]GGGTGGCCACTGTGGTCAGCTCCACCTGGGGGCAGAGGGCACGGGGCGGGGGACAGTCAG-3'
Protein context (NP_004950.2, residues 329-349): QEVELTTVAT[Gln339Leu]AGSLLHSLVL